The following is an entry in ClinVar:

ClinVar aggregate classification (germline): Uncertain significance (1 of 4 stars; one submission).

Submission:

Ambry Genetics
Classification: Uncertain significance. Last evaluated: 2023-05-28. Review status: criteria provided, single submitter. Criteria: Ambry Variant Classification Scheme 2023. Collection method: clinical testing. Allele origin: germline.
Comment: The p.M498R variant (also known as c.1493T>G), located in coding exon 14 of the RAD54L gene, results from a T to G substitution at nucleotide position 1493. The methionine at codon 498 is replaced by arginine, an amino acid with similar properties. This amino acid position is conserved. In addition, this alteration is predicted to be deleterious by in silico analysis. Since supporting evidence is limited at this time, the clinical significance of this alteration remains unclear.

NM_003579.4(RAD54L):c.1493T>G (p.Met498Arg)

Gene: RAD54L (RAD54 like; plus strand). Cytogenetic location: 1p34.1.
Variant type: single nucleotide variant.
Coding change: c.1493T>G on transcript NM_003579.4 (MANE Select); coding-DNA position 1493, T replaced by G.
Protein change: p.Met498Arg; replaces methionine 498 with arginine.
Molecular consequence: missense variant.
Genome position (GRCh38, 1-based): chr1:46,273,630, T>G. VCF-style: chr1-46273630-T-G. GRCh37 (hg19) VCF-style: chr1-46739302-T-G.
Other names: c.1493T>G, p.Met498Arg (NM_001142548.2); c.953T>G, p.Met318Arg (NM_001370766.1); short protein forms M318R, M498R.
Identifiers: ClinVar variation 2562808 (VCV002562808.2), dbSNP rs2525712888, ClinGen allele CA340181616.